The following is an entry in ClinVar:

ClinVar aggregate classification (germline): Likely benign (0 of 4 stars; one submission).

Conditions:
SDK2-related disorder. Also called: SDK2-related condition.

Allele frequency attached by ClinVar (database versions not stated): gnomAD exomes 0.00006; TOPMed 0.00006; ExAC 0.00007; gnomAD 0.00007; ESP Exome Variant Server 0.00008.
gnomAD v4.1: 100 of 1,613,630 alleles (0.0062%); highest among the groups gnomAD compares: South Asian, 0.011%; no homozygotes.

Submission:

PreventionGenetics, part of Exact Sciences
Classification: Likely benign for SDK2-related condition. Last evaluated: 2019-04-26. Review status: no assertion criteria provided. Collection method: clinical testing. Allele origin: germline.
Comment: This variant is classified as likely benign based on ACMG/AMP sequence variant interpretation guidelines (Richards et al. 2015 PMID: 25741868, with internal and published modifications).

NM_001144952.2(SDK2):c.5724C>T (p.Phe1908=)

Gene: SDK2 (sidekick cell adhesion molecule 2; minus strand). Cytogenetic location: 17q25.1.
Variant type: single nucleotide variant.
Coding change: c.5724C>T on transcript NM_001144952.2 (MANE Select); coding-DNA position 5724, C replaced by T.
Protein change: p.Phe1908=; no amino-acid change (phenylalanine 1908 retained).
Molecular consequence: synonymous variant.
Genome position (GRCh38, 1-based): chr17:73,352,507, G>A on the plus strand (C>T on the coding strand, the complement: SDK2 is on the minus strand). VCF-style: chr17-73352507-G-A. GRCh37 (hg19) VCF-style: chr17-71348646-G-A.
Identifiers: ClinVar variation 3047786 (VCV003047786.2), dbSNP rs373715499, ClinGen allele CA8742253.
Genomic context (GRCh38, chr17:73,352,507, plus strand): 5'-CACTCCCTCAGCCCCCAGGCCGGTACCTGGCACAGACTGGGAGGGGCTGCTGGGGGTGCC[G>A]AAACCATAGTCGTTGACCGCGATGACCCGGAAGTCATAGCTCACGCCCGGCTTCAGGATG-3'
Protein context (NP_001138424.1, residues 1898-1918): FRVIAVNDYG[Phe1908=]GTPSSPSQSV